The following is an entry in ClinVar:

ClinVar aggregate classification (germline): Uncertain significance (1 of 4 stars; one submission).

Submission:

Ambry Genetics
Classification: Uncertain significance. Last evaluated: 2022-04-03. Review status: criteria provided, single submitter. Criteria: Ambry Variant Classification Scheme 2023. Collection method: clinical testing. Allele origin: germline.
Comment: The p.P171T variant (also known as c.511C>A), located in coding exon 5 of the NQO1 gene, results from a C to A substitution at nucleotide position 511. The proline at codon 171 is replaced by threonine, an amino acid with highly similar properties. This amino acid position is conserved. In addition, the in silico prediction for this alteration is inconclusive. Since supporting evidence is limited at this time, the clinical significance of this alteration remains unclear.

NM_000903.3(NQO1):c.511C>A (p.Pro171Thr)

Gene: NQO1 (NAD(P)H quinone dehydrogenase 1; minus strand). Cytogenetic location: 16q22.1.
Variant type: single nucleotide variant.
Coding change: c.511C>A on transcript NM_000903.3 (MANE Select); coding-DNA position 511, C replaced by A.
Protein change: p.Pro171Thr; replaces proline 171 with threonine.
Molecular consequence: missense variant. On other transcripts: intron variant (2).
Genome position (GRCh38, 1-based): chr16:69,713,036, G>T on the plus strand (C>A on the coding strand, the complement: NQO1 is on the minus strand). VCF-style: chr16-69713036-G-T. GRCh37 (hg19) VCF-style: chr16-69746939-G-T.
Other names: c.397C>A, p.Pro133Thr (NM_001025434.2); c.304-1755C>A (NM_001286137.2); c.418-1755C>A (NM_001025433.2); short protein forms P171T, P133T.
Identifiers: ClinVar variation 1745456 (VCV001745456.2), dbSNP rs2544322396, ClinGen allele CA396488135.